The following is an entry in ClinVar:

ClinVar aggregate classification (germline): Uncertain significance. Review status: criteria provided, multiple submitters, no conflicts (2 of 4 stars). 2 submissions from 2 submitters: Uncertain significance (2). Last evaluated 2025-06-23.

Conditions:
Inborn genetic diseases. Identifiers: MedGen C0950123, MeSH D030342.

Allele frequency attached by ClinVar (database versions not stated): gnomAD 0.00001; gnomAD exomes 0.00001; ExAC 0.00002.
gnomAD v4.1: 15 of 1,613,970 alleles (0.00093%); highest among the groups gnomAD compares: Admixed American, 0.0033%; no homozygotes.

Submissions (2):

Labcorp Genetics (formerly Invitae), Labcorp
Classification: Uncertain significance. Last evaluated: 2025-06-23. Review status: criteria provided, single submitter. Criteria: Invitae Variant Classification Sherloc (09022015). Collection method: clinical testing. Allele origin: germline.
Comment: This sequence change replaces arginine, which is basic and polar, with histidine, which is basic and polar, at codon 231 of the NDUFS3 protein (p.Arg231His). This variant is present in population databases (rs773174072, gnomAD 0.006%). This variant has not been reported in the literature in individuals affected with NDUFS3-related conditions. ClinVar contains an entry for this variant (Variation ID: 1913324). Invitae Evidence Modeling of protein sequence and biophysical properties (such as structural, functional, and spatial information, amino acid conservation, physicochemical variation, residue mobility, and thermodynamic stability) indicates that this missense variant is expected to disrupt NDUFS3 protein function with a positive predictive value of 80%. In summary, the available evidence is currently insufficient to determine the role of this variant in disease. Therefore, it has been classified as a Variant of Uncertain Significance.

Ambry Genetics
Classification: Uncertain significance for Inborn genetic diseases. Last evaluated: 2020-12-07. Review status: criteria provided, single submitter. Criteria: Ambry Variant Classification Scheme 2023. Collection method: clinical testing. Allele origin: germline.
Comment: The c.692G>A (p.R231H) alteration is located in exon 7 (coding exon 7) of the NDUFS3 gene. This alteration results from a G to A substitution at nucleotide position 692, causing the arginine (R) at amino acid position 231 to be replaced by a histidine (H). The p.R231H alteration is predicted to be deleterious by in silico analysis. Based on insufficient or conflicting evidence, the clinical significance of this alteration remains unclear.

NM_004551.3(NDUFS3):c.692G>A (p.Arg231His)

Gene: NDUFS3 (NADH:ubiquinone oxidoreductase core subunit S3; plus strand). Cytogenetic location: 11p11.2.
Variant type: single nucleotide variant.
Coding change: c.692G>A on transcript NM_004551.3 (MANE Select); coding-DNA position 692, G replaced by A.
Protein change: p.Arg231His; replaces arginine 231 with histidine.
Molecular consequence: missense variant.
Genome position (GRCh38, 1-based): chr11:47,584,378, G>A. VCF-style: chr11-47584378-G-A. GRCh37 (hg19) VCF-style: chr11-47605930-G-A.
Other names: short protein forms R231H.
Identifiers: ClinVar variation 1913324 (VCV001913324.6), dbSNP rs773174072, ClinGen allele CA5978077.